The following is an entry in ClinVar:

ClinVar aggregate classification (germline): Pathogenic (1 of 4 stars; one submission).

Submission:

GeneDx
Classification: Pathogenic. Last evaluated: 2014-02-17. Review status: criteria provided, single submitter. Criteria: GeneDx Variant Classification (06012015). Collection method: clinical testing. Allele origin: germline. Affected: yes.
Comment: c.300_303+7delTATGgtatgta in exon 5 and intron IVS5 of the PDHB gene (NM_000925.3) The normal sequence with the bases that are deleted in braces is: GCAGC{TATGgtatgta}atac with the exonic sequence in upper case and the intronic sequence in lower case. The c.300_304+7delTATGgtatgta mutation in the PDHB gene destroys the canonical splice donor site in intron 5. It is predicted to cause abnormal gene splicing, either leading to an abnormal message that is subject to nonsense-mediated mRNA decay, or to an abnormal protein product if the message is used for protein translation. Although this mutation has not been previously reported to our knowledge, it is expected to be a pathogenic mutation. The variant is found in MITONUC-MITOP panel(s).

NM_000925.4(PDHB):c.300_303+7del

Gene: PDHB (pyruvate dehydrogenase E1 subunit beta; minus strand). Cytogenetic location: 3p14.3.
Variant type: Deletion.
Coding change: c.300_303+7del on transcript NM_000925.4 (MANE Select); coding-DNA position 300 through 7 bases into the intron after coding-DNA position 303, 11 bases deleted (TATGGTATGTA).
Molecular consequence: splice donor variant.
Genome position (GRCh38, 1-based): chr3:58,431,586-58,431,596, TACATACCATA deleted on the plus strand (TATGGTATGTA on the coding strand, the reverse complement: PDHB is on the minus strand). VCF-style (leftmost placement, unchanged base first): chr3-58431585-TTACATACCATA-T. GRCh37 (hg19) VCF-style: chr3-58417312-TTACATACCATA-T.
Other names: c.246_249+7del (NM_001315536.2); c.300_303+7del (NM_001173468.2).
Identifiers: ClinVar variation 217513 (VCV000217513.1), dbSNP rs863225125, ClinGen allele CA325476.